The following is an entry in ClinVar:

NM_005321.3(H1-4):c.548_549del (p.Lys183fs)

Gene: H1-4 (H1.4 linker histone, cluster member; plus strand). Cytogenetic location: 6p22.2.
Variant type: Deletion.
Coding change: c.548_549del on transcript NM_005321.3 (MANE Select); coding-DNA positions 548 to 549, 2 bases deleted (AG; older notation c.548_549delAG).
Protein change: p.Lys183fs; shifts the reading frame from lysine 183.
Molecular consequence: frameshift variant.
Genome position (GRCh38, 1-based): chr6:26,156,938-26,156,939, AG deleted. VCF-style (leftmost placement, unchanged base first): chr6-26156937-AAG-A. GRCh37 (hg19) VCF-style: chr6-26157165-AAG-A.
Other names: short protein forms K183fs.
Identifiers: ClinVar variation 3365715 (VCV003365715.1).
Genomic context (GRCh38, chr6:26,156,937, plus strand): 5'-GCAGCTGCTGGAGCCAAAAAAGCGAAAAGCCCGAAAAAGGCGAAAGCAGCCAAGCCAAAA[AAG>A]GCGCCCAAGAGCCCAGCGAAGGCCAAAGCAGTTAAACCCAAGGCGGCTAAACCAAAGACC-3'

ClinVar aggregate classification (germline): Uncertain significance (1 of 4 stars; one submission).

Submission:

GeneDx
Classification: Uncertain significance. Last evaluated: 2023-12-18. Review status: criteria provided, single submitter. Criteria: GeneDx Variant Classification Process June 2021. Collection method: clinical testing. Allele origin: germline. Affected: yes.
Comment: Not observed at significant frequency in large population cohorts (gnomAD); Frameshift variant predicted to result in abnormal protein length as the last 37 amino acids are replaced with 11 different amino acids; Has not been previously published as pathogenic or benign to our knowledge